The following is an entry in ClinVar:

NM_001845.6(COL4A1):c.1545A>T (p.Gln515His)

Gene: COL4A1 (collagen type IV alpha 1 chain; minus strand). Cytogenetic location: 13q34.
Variant type: single nucleotide variant.
Coding change: c.1545A>T on transcript NM_001845.6 (MANE Select); coding-DNA position 1545, A replaced by T.
Protein change: p.Gln515His; replaces glutamine 515 with histidine.
Molecular consequence: missense variant.
Genome position (GRCh38, 1-based): chr13:110,187,321, T>A on the plus strand (A>T on the coding strand, the complement: COL4A1 is on the minus strand). VCF-style: chr13-110187321-T-A. GRCh37 (hg19) VCF-style: chr13-110839668-T-A.
Other names: c.1545A>T (NM_001845.4); short protein forms Q515H.
Identifiers: ClinVar variation 1607512 (VCV001607512.11), dbSNP rs144950610, ClinGen allele CA7047881.

ClinVar aggregate classification (germline): Conflicting classifications of pathogenicity. Review status: criteria provided, conflicting classifications (1 of 4 stars). 3 submissions from 3 submitters: Uncertain significance (1); Benign (1); Likely benign (1). Last evaluated 2026-02-01.

Allele frequency attached by ClinVar (database versions not stated): gnomAD 0.00007; ESP Exome Variant Server 0.00008; ExAC 0.00009; TOPMed 0.00012.
gnomAD v4.1: 150 of 1,612,130 alleles (0.0093%); highest among the groups gnomAD compares: Non-Finnish European, 0.0058%; 1 homozygote.

Submissions (3):

Labcorp Genetics (formerly Invitae), Labcorp
Classification: Benign. Last evaluated: 2026-02-01. Review status: criteria provided, single submitter. Criteria: Invitae Variant Classification Sherloc (09022015). Collection method: clinical testing. Allele origin: germline.

Blueprint Genetics
Classification: Likely benign. Last evaluated: 2024-10-09. Review status: criteria provided, single submitter. Criteria: ACMG Guidelines, 2015. Collection method: clinical testing. Allele origin: germline.

GeneDx
Classification: Uncertain significance. Last evaluated: 2024-01-24. Review status: criteria provided, single submitter. Criteria: GeneDx Variant Classification Process June 2021. Collection method: clinical testing. Allele origin: germline.
Comment: Has not been previously published as pathogenic or benign to our knowledge; Occurs in the triple helical domain at the Y position in the canonical Gly-X-Y repeat; although this variant may have an effect on normal protein folding and function, missense substitution at the Y position is not a common mechanism of disease; In silico analysis supports that this missense variant does not alter protein structure/function